The following is an entry in ClinVar:

NM_003680.4(YARS1):c.424C>A (p.Gln142Lys)

Gene: YARS1 (tyrosyl-tRNA synthetase 1; minus strand). Cytogenetic location: 1p35.1.
Variant type: single nucleotide variant.
Coding change: c.424C>A on transcript NM_003680.4 (MANE Select); coding-DNA position 424, C replaced by A.
Protein change: p.Gln142Lys; replaces glutamine 142 with lysine.
Molecular consequence: missense variant.
Genome position (GRCh38, 1-based): chr1:32,806,568, G>T on the plus strand (C>A on the coding strand, the complement: YARS1 is on the minus strand). VCF-style: chr1-32806568-G-T. GRCh37 (hg19) VCF-style: chr1-33272169-G-T.
Other names: short protein forms Q142K.
Identifiers: ClinVar variation 860058 (VCV000860058.8), dbSNP rs1470898248, ClinGen allele CA339686887.

ClinVar aggregate classification (germline): Uncertain significance (1 of 4 stars; one submission).

Conditions:
Charcot-Marie-Tooth disease dominant intermediate C (CMTDIC). Also called: CHARCOT-MARIE-TOOTH NEUROPATHY, DOMINANT INTERMEDIATE C. Identifiers: Orphanet 100045, MedGen C1842237, MONDO:0012012, OMIM 608323.

Allele frequency attached by ClinVar (database versions not stated): gnomAD exomes below 0.00001; TOPMed below 0.00001.
gnomAD v4.1: 1 of 1,614,176 alleles (0.000062%); highest among the groups gnomAD compares: African/African-American, 0.0013%; no homozygotes.

Submission:

Labcorp Genetics (formerly Invitae), Labcorp
Classification: Uncertain significance for Charcot-Marie-Tooth disease dominant intermediate C. Last evaluated: 2019-01-20. Review status: criteria provided, single submitter. Criteria: Invitae Variant Classification Sherloc (09022015). Collection method: clinical testing. Allele origin: germline.
Comment: In summary, the available evidence is currently insufficient to determine the role of this variant in disease. Therefore, it has been classified as a Variant of Uncertain Significance. Algorithms developed to predict the effect of missense changes on protein structure and function are either unavailable or do not agree on the potential impact of this missense change (SIFT: "Deleterious"; PolyPhen-2: "Benign"; Align-GVGD: "Class C15"). This variant has not been reported in the literature in individuals with YARS-related conditions. This variant is not present in population databases (ExAC no frequency). This sequence change replaces glutamine with lysine at codon 142 of the YARS protein (p.Gln142Lys). The glutamine residue is highly conserved and there is a small physicochemical difference between glutamine and lysine.